The following is an entry in ClinVar:

NM_000062.3(SERPING1):c.625G>A (p.Ala209Thr)

Gene: SERPING1 (serpin family G member 1; plus strand). Cytogenetic location: 11q12.1.
Variant type: single nucleotide variant.
Coding change: c.625G>A on transcript NM_000062.3 (MANE Select); coding-DNA position 625, G replaced by A.
Protein change: p.Ala209Thr; replaces alanine 209 with threonine.
Molecular consequence: missense variant.
Genome position (GRCh38, 1-based): chr11:57,602,109, G>A. VCF-style: chr11-57602109-G-A. GRCh37 (hg19) VCF-style: chr11-57369582-G-A.
Other names: c.625G>A, p.Ala209Thr (NM_001032295.2); short protein forms A209T.
Identifiers: ClinVar variation 2135028 (VCV002135028.4), dbSNP rs769794738, ClinGen allele CA6008082.

ClinVar aggregate classification (germline): Uncertain significance (1 of 4 stars; one submission).

Allele frequency attached by ClinVar (database versions not stated): ExAC 0.00001; gnomAD exomes below 0.00001.
gnomAD v4.1: 1 of 1,614,196 alleles (0.000062%); highest among the groups gnomAD compares: Non-Finnish European, 0.000085%; no homozygotes.

Submission:

Labcorp Genetics (formerly Invitae), Labcorp
Classification: Uncertain significance. Last evaluated: 2022-05-07. Review status: criteria provided, single submitter. Criteria: Invitae Variant Classification Sherloc (09022015). Collection method: clinical testing. Allele origin: germline.
Comment: This variant is present in population databases (rs769794738, gnomAD 0.0009%). This variant has not been reported in the literature in individuals affected with SERPING1-related conditions. This sequence change replaces alanine, which is neutral and non-polar, with threonine, which is neutral and polar, at codon 209 of the SERPING1 protein (p.Ala209Thr). In summary, the available evidence is currently insufficient to determine the role of this variant in disease. Therefore, it has been classified as a Variant of Uncertain Significance. Advanced modeling of protein sequence and biophysical properties (such as structural, functional, and spatial information, amino acid conservation, physicochemical variation, residue mobility, and thermodynamic stability) performed at Invitae indicates that this missense variant is not expected to disrupt SERPING1 protein function.